The following is an entry in ClinVar:

ClinVar aggregate classification (germline): Uncertain significance (1 of 4 stars; one submission).

Allele frequency attached by ClinVar (database versions not stated): ExAC 0.00001; ESP Exome Variant Server 0.00008.
gnomAD v4.1: 13 of 1,600,974 alleles (0.00081%); highest among the groups gnomAD compares: Admixed American, 0.0033%; no homozygotes.

Submission:

Labcorp Genetics (formerly Invitae), Labcorp
Classification: Uncertain significance. Last evaluated: 2021-12-24. Review status: criteria provided, single submitter. Criteria: Invitae Variant Classification Sherloc (09022015). Collection method: clinical testing. Allele origin: germline.
Comment: In summary, the available evidence is currently insufficient to determine the role of this variant in disease. Therefore, it has been classified as a Variant of Uncertain Significance. Variants that disrupt the consensus splice site are a relatively common cause of aberrant splicing (PMID: 17576681, 9536098). Algorithms developed to predict the effect of sequence changes on RNA splicing suggest that this variant may disrupt the consensus splice site. This variant has not been reported in the literature in individuals affected with NDUFB9-related conditions. This variant is present in population databases (rs376288483, gnomAD 0.0009%). This sequence change falls in intron 3 of the NDUFB9 gene. It does not directly change the encoded amino acid sequence of the NDUFB9 protein. It affects a nucleotide within the consensus splice site.

Literature cited by the submitters: PubMed 17576681; PubMed 9536098.

NM_005005.3(NDUFB9):c.408+5G>A

Gene: NDUFB9 (NADH:ubiquinone oxidoreductase subunit B9; plus strand). Cytogenetic location: 8q24.13.
Variant type: single nucleotide variant.
Coding change: c.408+5G>A on transcript NM_005005.3 (MANE Select); 5 bases into the intron after coding-DNA position 408, G replaced by A.
Molecular consequence: intron variant.
Genome position (GRCh38, 1-based): chr8:124,547,118, G>A. VCF-style: chr8-124547118-G-A. GRCh37 (hg19) VCF-style: chr8-125559359-G-A.
Other names: c.279+5G>A (NM_001278646.2); c.375+5G>A (NM_001311168.2); c.240+5G>A (NM_001278645.2).
Identifiers: ClinVar variation 1955273 (VCV001955273.5), dbSNP rs376288483, ClinGen allele CA4871551.